The following is an entry in ClinVar:

NM_004329.3(BMPR1A):c.1164C>A (p.Asn388Lys)

Gene: BMPR1A (bone morphogenetic protein receptor type 1A; plus strand). Cytogenetic location: 10q23.2.
Variant type: single nucleotide variant.
Coding change: c.1164C>A on transcript NM_004329.3 (MANE Select); coding-DNA position 1164, C replaced by A.
Protein change: p.Asn388Lys; replaces asparagine 388 with lysine.
Molecular consequence: missense variant.
Genome position (GRCh38, 1-based): chr10:86,919,467, C>A. VCF-style: chr10-86919467-C-A. GRCh37 (hg19) VCF-style: chr10-88679224-C-A.
Other names: c.1239C>A, p.Asn413Lys (NM_001406559.1); c.1212C>A, p.Asn404Lys (NM_001406560.1); c.1164C>A, p.Asn388Lys (NM_001406561.1, NM_001406562.1, NM_001406563.1 and 19 more transcripts); c.1158C>A, p.Asn386Lys (NM_001406583.1); c.1080C>A, p.Asn360Lys (NM_001406584.1, NM_001406585.1, NM_001406586.1 and 2 more transcripts); c.822C>A, p.Asn274Lys (NM_001406589.1); short protein forms N274K, N404K, N360K, N388K, N413K, N386K.
Identifiers: ClinVar variation 1737704 (VCV001737704.2), dbSNP rs1432960036, ClinGen allele CA377461350.

ClinVar aggregate classification (germline): Uncertain significance (1 of 4 stars; one submission).

Conditions:
Hereditary cancer-predisposing syndrome. Also called: Neoplastic Syndromes, Hereditary; Tumor predisposition; Hereditary Cancer Syndrome; Hereditary neoplastic syndrome. Identifiers: Orphanet 140162, MedGen C0027672, MeSH D009386, MONDO:0015356.

Submission:

Ambry Genetics
Classification: Uncertain significance for Hereditary cancer-predisposing syndrome. Last evaluated: 2021-02-09. Review status: criteria provided, single submitter. Criteria: Ambry Variant Classification Scheme 2023. Collection method: clinical testing. Allele origin: germline.
Comment: The p.N388K variant (also known as c.1164C>A), located in coding exon 8 of the BMPR1A gene, results from a C to A substitution at nucleotide position 1164. The asparagine at codon 388 is replaced by lysine, an amino acid with similar properties. This amino acid position is highly conserved in available vertebrate species. In addition, this alteration is predicted to be tolerated by in silico analysis. Since supporting evidence is limited at this time, the clinical significance of this alteration remains unclear.